The following is an entry in ClinVar:

ClinVar aggregate classification (germline): Pathogenic (1 of 4 stars; one submission).

Conditions:
Primary ciliary dyskinesia 7. Also called: CILIARY DYSKINESIA, PRIMARY, 7, WITH OR WITHOUT SITUS INVERSUS. Identifiers: Orphanet 244, MedGen C2678473, MONDO:0012748, OMIM 611884.

gnomAD v4.1: 1 of 1,613,922 alleles (0.000062%); highest among the groups gnomAD compares: Non-Finnish European, 0.000085%; no homozygotes.

Submission:

Broad Center for Mendelian Genomics, Broad Institute of MIT and Harvard
Classification: Pathogenic for Primary ciliary dyskinesia 7. Last evaluated: 2025-02-18. Review status: criteria provided, single submitter. Criteria: ACMG Guidelines, 2015. Collection method: curation. Allele origin: germline. Inheritance: Autosomal recessive inheritance.
Comment: The p.Gln2669Ter variant in DNAH11 has been reported, in the compound heterozygous state, in 1 individual with primary ciliary dyskinesia (PMID: 33577779), and has been identified in 0.00008% (1/1179858) of European (non-Finnish) chromosomes by the Genome Aggregation Database (gnomAD). Although this variant has been seen in the general population in a heterozygous state, its frequency is low enough to be consistent with a recessive carrier frequency. This nonsense variant leads to a premature termination codon at position 2669, which is predicted to lead to a truncated or absent protein. Loss of function of the DNAH11 gene is an established disease mechanism in autosomal recessive primary ciliary dyskinesia. In summary, this variant meets criteria to be classified as pathogenic for autosomal recessive primary ciliary dyskinesia. ACMG/AMP Criteria applied: PVS1, PM3, PM2_supporting (Richards 2015).

NM_001277115.2(DNAH11):c.8005C>T (p.Gln2669Ter)

Gene: DNAH11 (dynein axonemal heavy chain 11; plus strand). Cytogenetic location: 7p15.3.
Variant type: single nucleotide variant.
Coding change: c.8005C>T on transcript NM_001277115.2 (MANE Select); coding-DNA position 8005, C replaced by T.
Protein change: p.Gln2669Ter; replaces glutamine 2669 with a stop codon.
Molecular consequence: nonsense.
Genome position (GRCh38, 1-based): chr7:21,742,017, C>T. VCF-style: chr7-21742017-C-T. GRCh37 (hg19) VCF-style: chr7-21781635-C-T.
Other names: NM_001277115.2:c.8005C>T; short protein forms Q2669*.
Identifiers: ClinVar variation 3776935 (VCV003776935.1).